The following is an entry in ClinVar:

ClinVar aggregate classification (germline): Likely benign. Review status: criteria provided, single submitter (1 of 4 stars). 2 submissions from 2 submitters: Likely benign (1). 1 of the submissions does not count toward it. Last evaluated 2024-04-20.

Conditions:
SEMA3G-related disorder. Also called: SEMA3G-related condition.

Submissions (2):

Ambry Genetics
Classification: Likely benign. Last evaluated: 2024-04-20. Review status: criteria provided, single submitter. Criteria: Ambry Variant Classification Scheme 2023. Collection method: clinical testing. Allele origin: germline.

PreventionGenetics, part of Exact Sciences
Classification: Uncertain significance for SEMA3G-related condition. Last evaluated: 2024-03-06. Review status: no assertion criteria provided. Collection method: clinical testing. Allele origin: germline. Not counted in ClinVar's aggregate classification.
Comment: The SEMA3G c.1913G>A variant is predicted to result in the amino acid substitution p.Arg638Gln. To our knowledge, this variant has not been reported in the literature. This variant is reported in 0.075% of alleles in individuals of South Asian descent in gnomAD, which is likely too common to be a primary cause of disease. Although we suspect that this variant may be benign, at this time, the clinical significance is uncertain due to the absence of conclusive functional and genetic evidence.

NM_020163.3(SEMA3G):c.1913G>A (p.Arg638Gln)

Gene: SEMA3G (semaphorin 3G; minus strand). Cytogenetic location: 3p21.1.
Variant type: single nucleotide variant.
Coding change: c.1913G>A on transcript NM_020163.3 (MANE Select); coding-DNA position 1913, G replaced by A.
Protein change: p.Arg638Gln; replaces arginine 638 with glutamine.
Molecular consequence: missense variant.
Genome position (GRCh38, 1-based): chr3:52,436,039, C>T on the plus strand (G>A on the coding strand, the complement: SEMA3G is on the minus strand). VCF-style: chr3-52436039-C-T. GRCh37 (hg19) VCF-style: chr3-52470055-C-T.
Other names: c.1913G>A (NM_020163.2); short protein forms R638Q.
Identifiers: ClinVar variation 3317301 (VCV003317301.2).